The following is an entry in ClinVar:

NM_012301.4(MAGI2):c.2329T>C (p.Leu777=)

Gene: MAGI2 (membrane associated guanylate kinase, WW and PDZ domain containing 2; minus strand). Cytogenetic location: 7q21.11.
Variant type: single nucleotide variant.
Coding change: c.2329T>C on transcript NM_012301.4 (MANE Select); coding-DNA position 2329, T replaced by C.
Protein change: p.Leu777=; no amino-acid change (leucine 777 retained).
Molecular consequence: synonymous variant.
Genome position (GRCh38, 1-based): chr7:78,178,085, A>G on the plus strand (T>C on the coding strand, the complement: MAGI2 is on the minus strand). VCF-style: chr7-78178085-A-G. GRCh37 (hg19) VCF-style: chr7-77807402-A-G.
Other names: c.2287T>C, p.Leu763= (NM_001301128.2).
Identifiers: ClinVar variation 129560 (VCV000129560.17), dbSNP rs76346657, ClinGen allele CA153632.

ClinVar aggregate classification (germline): Benign/Likely benign. Review status: criteria provided, multiple submitters, no conflicts (2 of 4 stars). 5 submissions from 5 submitters: Benign (2); Likely benign (2). 1 of the submissions does not count toward it. Last evaluated 2026-02-01.

Allele frequency attached by ClinVar (database versions not stated): gnomAD exomes 0.00063 and 0.00177; ExAC 0.00222; gnomAD 0.00685 and 0.00722; TOPMed 0.00729; ESP Exome Variant Server 0.00800; 1000 Genomes Project 0.00919; 1000 Genomes Project 30x 0.01015.
gnomAD v4.1: 1,986 of 1,612,356 alleles (0.12%); highest among the groups gnomAD compares: African/African-American, 2.4%; 20 homozygotes.

Submissions (5):

Labcorp Genetics (formerly Invitae), Labcorp
Classification: Benign. Last evaluated: 2026-02-01. Review status: criteria provided, single submitter. Criteria: Invitae Variant Classification Sherloc (09022015). Collection method: clinical testing. Allele origin: germline.

Blueprint Genetics
Classification: Likely benign. Last evaluated: 2024-11-05. Review status: criteria provided, single submitter. Criteria: ACMG Guidelines, 2015. Collection method: clinical testing. Allele origin: germline.

GeneDx
Classification: Likely benign. Last evaluated: 2020-11-02. Review status: criteria provided, single submitter. Criteria: GeneDx Variant Classification Process June 2021. Collection method: clinical testing. Allele origin: germline. Affected: yes.

Athena Diagnostics
Classification: Benign. Last evaluated: 2018-01-25. Review status: criteria provided, single submitter. Criteria: Athena Diagnostics Criteria. Collection method: clinical testing. Allele origin: germline.

Genetic Services Laboratory, University of Chicago
Classification: Likely benign for AllHighlyPenetrant. Review status: no assertion criteria provided. Collection method: clinical testing. Allele origin: germline. Inheritance: Autosomal dominant inheritance. Not counted in ClinVar's aggregate classification.
Comment: Likely benign based on allele frequency in 1000 Genomes Project or ESP global frequency and its presence in a patient with a rare or unrelated disease phenotype. NOT Sanger confirmed.